The following is an entry in ClinVar:

ClinVar aggregate classification (germline): Uncertain significance (1 of 4 stars; one submission).

Allele frequency attached by ClinVar (database versions not stated): ExAC 0.00002; gnomAD exomes 0.00002.
gnomAD v4.1: 28 of 1,521,148 alleles (0.0018%); highest among the groups gnomAD compares: Non-Finnish European, 0.0023%; no homozygotes.

Submission:

Labcorp Genetics (formerly Invitae), Labcorp
Classification: Uncertain significance. Last evaluated: 2024-05-06. Review status: criteria provided, single submitter. Criteria: Invitae Variant Classification Sherloc (09022015). Collection method: clinical testing. Allele origin: germline.
Comment: This sequence change replaces arginine, which is basic and polar, with tryptophan, which is neutral and slightly polar, at codon 554 of the KCNQ5 protein (p.Arg554Trp). This variant is present in population databases (rs763071667, gnomAD 0.004%). This variant has not been reported in the literature in individuals affected with KCNQ5-related conditions. ClinVar contains an entry for this variant (Variation ID: 1945313). Advanced modeling of protein sequence and biophysical properties (such as structural, functional, and spatial information, amino acid conservation, physicochemical variation, residue mobility, and thermodynamic stability) performed at Invitae indicates that this missense variant is not expected to disrupt KCNQ5 protein function with a negative predictive value of 80%. In summary, the available evidence is currently insufficient to determine the role of this variant in disease. Therefore, it has been classified as a Variant of Uncertain Significance.

NM_019842.4(KCNQ5):c.1603C>T (p.Arg535Trp)

Gene: KCNQ5 (potassium voltage-gated channel subfamily Q member 5; plus strand). Cytogenetic location: 6q13.
Variant type: single nucleotide variant.
Coding change: c.1603C>T on transcript NM_019842.4 (MANE Select); coding-DNA position 1603, C replaced by T.
Protein change: p.Arg535Trp; replaces arginine 535 with tryptophan.
Molecular consequence: missense variant.
Genome position (GRCh38, 1-based): chr6:73,190,598, C>T. VCF-style: chr6-73190598-C-T. GRCh37 (hg19) VCF-style: chr6-73900321-C-T.
Other names: c.1576C>T, p.Arg526Trp (NM_001160130.2); c.1633C>T, p.Arg545Trp (NM_001160132.2); c.1660C>T, p.Arg554Trp (NM_001160133.2); c.1273C>T, p.Arg425Trp (NM_001160134.2); short protein forms R526W, R545W, R425W, R535W, R554W.
Identifiers: ClinVar variation 1945313 (VCV001945313.5), dbSNP rs763071667, ClinGen allele CA3887108.